The following is an entry in ClinVar:

ClinVar aggregate classification (germline): Likely benign (1 of 4 stars; one submission).

gnomAD v4.1: 2,181 of 1,532,720 alleles (0.14%); highest among the groups gnomAD compares: African/African-American, 1.4%; 19 homozygotes.

Submission:

CeGaT Center for Human Genetics Tuebingen
Classification: Likely benign. Last evaluated: 2026-08-01. Review status: criteria provided, single submitter. Criteria: CeGaT Center For Human Genetics Tuebingen Variant Classification Criteria Version 2. Collection method: clinical testing. Allele origin: germline. Affected: yes. Observed: 1 variant allele.
Comment: PIEZO1: BS1

NM_001142864.4(PIEZO1):c.7130-22C>G

Gene: PIEZO1 (piezo type mechanosensitive ion channel component 1 (Er blood group); minus strand). Cytogenetic location: 16q24.3.
Variant type: single nucleotide variant.
Coding change: c.7130-22C>G on transcript NM_001142864.4 (MANE Select); 22 bases into the intron before coding-DNA position 7130, C replaced by G.
Molecular consequence: intron variant.
Genome position (GRCh38, 1-based): chr16:88,716,141, G>C on the plus strand (C>G on the coding strand, the complement: PIEZO1 is on the minus strand). VCF-style: chr16-88716141-G-C. GRCh37 (hg19) VCF-style: chr16-88782549-G-C.
Identifiers: ClinVar variation 5038792 (VCV005038792.1).